The following is an entry in ClinVar:

NM_001379500.1(COL18A1):c.892G>T (p.Glu298Ter)

Gene: COL18A1 (collagen type XVIII alpha 1 chain; plus strand). Cytogenetic location: 21q22.3.
Variant type: single nucleotide variant.
Coding change: c.892G>T on transcript NM_001379500.1 (MANE Select); coding-DNA position 892, G replaced by T.
Protein change: p.Glu298Ter; replaces glutamic acid 298 with a stop codon.
Molecular consequence: nonsense.
Genome position (GRCh38, 1-based): chr21:45,476,444, G>T. VCF-style: chr21-45476444-G-T. GRCh37 (hg19) VCF-style: chr21-46896358-G-T.
Other names: c.1432G>T, p.Glu478Ter (NM_030582.4); c.2137G>T, p.Glu713Ter (NM_130444.3); short protein forms E298*, E478*, E713*.
Identifiers: ClinVar variation 1457646 (VCV001457646.6), dbSNP rs2145919390, ClinGen allele CA410514535.

ClinVar aggregate classification (germline): Pathogenic (1 of 4 stars; one submission).

Submission:

Labcorp Genetics (formerly Invitae), Labcorp
Classification: Pathogenic. Last evaluated: 2021-08-05. Review status: criteria provided, single submitter. Criteria: Invitae Variant Classification Sherloc (09022015). Collection method: clinical testing. Allele origin: germline.
Comment: For these reasons, this variant has been classified as Pathogenic. This variant has not been reported in the literature in individuals with COL18A1-related conditions. This variant is not present in population databases (ExAC no frequency). This sequence change creates a premature translational stop signal (p.Glu298*) in the COL18A1 gene. It is expected to result in an absent or disrupted protein product. Loss-of-function variants in COL18A1 are known to be pathogenic (PMID: 12415512, 25456301).

Literature cited by the submitters: PubMed 12415512; PubMed 25456301.